The following is an entry in ClinVar:

ClinVar aggregate classification (germline): Uncertain significance. Review status: criteria provided, multiple submitters, no conflicts (2 of 4 stars). 2 submissions from 2 submitters: Uncertain significance (2). Last evaluated 2026-02-02.

Allele frequency attached by ClinVar (database versions not stated): gnomAD 0.00007 and 0.00008; ExAC 0.00008; gnomAD exomes 0.00008 and 0.00022; TOPMed 0.00008; 1000 Genomes Project 0.00020; 1000 Genomes Project 30x 0.00031.
gnomAD v4.1: 327 of 1,598,882 alleles (0.02%); highest among the groups gnomAD compares: Non-Finnish European, 0.026%; no homozygotes.

Submissions (2):

Labcorp Genetics (formerly Invitae), Labcorp
Classification: Uncertain significance. Last evaluated: 2026-02-02. Review status: criteria provided, single submitter. Criteria: Invitae Variant Classification Sherloc (09022015). Collection method: clinical testing. Allele origin: germline.
Comment: This sequence change falls in intron 8 of the CARD8 gene. It does not directly change the encoded amino acid sequence of the CARD8 protein. It affects a nucleotide within the consensus splice site. This variant is present in population databases (rs117116337, gnomAD 0.01%). This variant has not been reported in the literature in individuals affected with CARD8-related conditions. ClinVar contains an entry for this variant (Variation ID: 1348683). Variants that disrupt the consensus splice site are a relatively common cause of aberrant splicing (PMID: 17576681, 9536098). Algorithms developed to predict the effect of sequence changes on RNA splicing suggest that this variant may disrupt the consensus splice site. In summary, the available evidence is currently insufficient to determine the role of this variant in disease. Therefore, it has been classified as a Variant of Uncertain Significance.

Breakthrough Genomics
Classification: Uncertain significance. Review status: criteria provided, single submitter. Criteria: ACMG Guidelines, 2015. Collection method: not provided. Allele origin: germline. Inheritance: Autosomal dominant inheritance. Affected: yes.

Literature cited by the submitters: PubMed 17576681 (cited by Labcorp Genetics (formerly Invitae), Labcorp); PubMed 9536098 (cited by Labcorp Genetics (formerly Invitae), Labcorp).

NM_001184900.3(CARD8):c.1035+5G>A

Gene: CARD8 (caspase recruitment domain family member 8; minus strand). Cytogenetic location: 19q13.33.
Variant type: single nucleotide variant.
Coding change: c.1035+5G>A on transcript NM_001184900.3 (MANE Select); 5 bases into the intron after coding-DNA position 1035, G replaced by A.
Molecular consequence: intron variant.
Genome position (GRCh38, 1-based): chr19:48,230,433, C>T on the plus strand (G>A on the coding strand, the complement: CARD8 is on the minus strand). VCF-style: chr19-48230433-C-T. GRCh37 (hg19) VCF-style: chr19-48733690-C-T.
Other names: c.720+5G>A (NM_001351787.2, NM_001351791.2, NM_001351792.2 and 1 more transcripts); c.885+5G>A (NM_001351788.2, NM_001351789.2, NM_014959.5 and 2 more transcripts); c.699+5G>A (NM_001351786.2); c.792+5G>A (NM_001351790.2); c.1035+5G>A (NM_001184902.2, NM_001351782.2, NM_001184903.1); c.717+5G>A (NM_001365950.1).
Identifiers: ClinVar variation 1348683 (VCV001348683.7), dbSNP rs117116337, ClinGen allele CA9547837.